The following is an entry in ClinVar:

ClinVar aggregate classification (germline): Uncertain significance. Review status: criteria provided, multiple submitters, no conflicts (2 of 4 stars). 2 submissions from 2 submitters: Uncertain significance (2). Last evaluated 2025-04-14.

gnomAD v4.1: 2 of 1,574,330 alleles (0.00013%); highest among the groups gnomAD compares: Admixed American, 0.0017%; no homozygotes.

Submissions (2):

Labcorp Genetics (formerly Invitae), Labcorp
Classification: Uncertain significance. Last evaluated: 2025-04-14. Review status: criteria provided, single submitter. Criteria: Invitae Variant Classification Sherloc (09022015). Collection method: clinical testing. Allele origin: germline.
Comment: This sequence change replaces aspartic acid, which is acidic and polar, with valine, which is neutral and non-polar, at codon 455 of the ANKRD26 protein (p.Asp455Val). This variant is present in population databases (no rsID available, gnomAD 0.003%). This variant has not been reported in the literature in individuals affected with ANKRD26-related conditions. ClinVar contains an entry for this variant (Variation ID: 3365545). An algorithm developed to predict the effect of missense changes on protein structure and function (PolyPhen-2) suggests that this variant is likely to be tolerated. Algorithms developed to predict the effect of sequence changes on RNA splicing suggest that this variant may disrupt the consensus splice site. In summary, the available evidence is currently insufficient to determine the role of this variant in disease. Therefore, it has been classified as a Variant of Uncertain Significance.

GeneDx
Classification: Uncertain significance. Last evaluated: 2023-12-19. Review status: criteria provided, single submitter. Criteria: GeneDx Variant Classification Process June 2021. Collection method: clinical testing. Allele origin: germline. Affected: yes.
Comment: Not observed at significant frequency in large population cohorts (gnomAD); In silico analysis supports that this missense variant has a deleterious effect on protein structure/function and splicing; Has not been previously published as pathogenic or benign to our knowledge

NM_014915.3(ANKRD26):c.1364A>T (p.Asp455Val)

Gene: ANKRD26 (ankyrin repeat domain 26; minus strand). Cytogenetic location: 10p12.1.
Variant type: single nucleotide variant.
Coding change: c.1364A>T on transcript NM_014915.3 (MANE Select); coding-DNA position 1364, A replaced by T.
Protein change: p.Asp455Val; replaces aspartic acid 455 with valine.
Molecular consequence: missense variant.
Genome position (GRCh38, 1-based): chr10:27,061,242, T>A on the plus strand (A>T on the coding strand, the complement: ANKRD26 is on the minus strand). VCF-style: chr10-27061242-T-A. GRCh37 (hg19) VCF-style: chr10-27350171-T-A.
Other names: c.1364A>T, p.Asp455Val (NM_001256053.2); short protein forms D455V.
Identifiers: ClinVar variation 3365545 (VCV003365545.2).